The following is an entry in ClinVar:

ClinVar aggregate classification (germline): Uncertain significance. Review status: criteria provided, multiple submitters, no conflicts (2 of 4 stars). 3 submissions from 3 submitters: Uncertain significance (3). Last evaluated 2024-10-15.

Conditions:
Sphingolipid activator protein 1 deficiency. Also called: METACHROMATIC LEUKODYSTROPHY DUE TO CEREBROSIDE SULFATASE ACTIVATOR DEFICIENCY; Saposin B Deficiency; Metachromatic leukodystrophy due to saposin B deficiency. Identifiers: Orphanet 512, MedGen C0268262, MONDO:0009590, OMIM 249900.
Combined PSAP deficiency (PSAPD). Also called: PROSAPOSIN DEFICIENCY; Encephalopathy due to prosaposin deficiency; COMBINED SAP DEFICIENCY. Identifiers: Orphanet 139406, MedGen C2673635, MONDO:0012719, OMIM 611721.

Allele frequency attached by ClinVar (database versions not stated): gnomAD exomes 0.00003 and 0.00004; ExAC 0.00004; TOPMed 0.00004; gnomAD 0.00005; ESP Exome Variant Server 0.00023.
gnomAD v4.1: 61 of 1,613,762 alleles (0.0038%); highest among the groups gnomAD compares: Non-Finnish European, 0.0048%; no homozygotes.

Submissions (3):

Labcorp Genetics (formerly Invitae), Labcorp
Classification: Uncertain significance for Sphingolipid activator protein 1 deficiency. Last evaluated: 2024-10-15. Review status: criteria provided, single submitter. Criteria: Invitae Variant Classification Sherloc (09022015). Collection method: clinical testing. Allele origin: germline.
Comment: This sequence change replaces threonine, which is neutral and polar, with methionine, which is neutral and non-polar, at codon 38 of the PSAP protein (p.Thr38Met). This variant is present in population databases (rs145181011, gnomAD 0.006%). This variant has not been reported in the literature in individuals affected with PSAP-related conditions. ClinVar contains an entry for this variant (Variation ID: 1032846). Invitae Evidence Modeling of protein sequence and biophysical properties (such as structural, functional, and spatial information, amino acid conservation, physicochemical variation, residue mobility, and thermodynamic stability) has been performed for this missense variant. However, the output from this modeling did not meet the statistical confidence thresholds required to predict the impact of this variant on PSAP protein function. In summary, the available evidence is currently insufficient to determine the role of this variant in disease. Therefore, it has been classified as a Variant of Uncertain Significance.

GeneDx
Classification: Uncertain significance. Last evaluated: 2023-06-16. Review status: criteria provided, single submitter. Criteria: GeneDx Variant Classification Process June 2021. Collection method: clinical testing. Allele origin: germline. Affected: yes.
Comment: Not observed at significant frequency in large population cohorts (gnomAD); In silico analysis supports that this missense variant has a deleterious effect on protein structure/function; Has not been previously published as pathogenic or benign to our knowledge

Baylor Genetics
Classification: Uncertain significance for Combined PSAP deficiency. Last evaluated: 2018-07-11. Review status: criteria provided, single submitter. Criteria: ACMG Guidelines, 2015. Collection method: clinical testing. Allele origin: unknown. Affected: yes.
Comment: This variant was determined to be of uncertain significance according to ACMG Guidelines, 2015 [PMID:25741868].

NM_002778.4(PSAP):c.113C>T (p.Thr38Met)

Gene: PSAP (prosaposin; minus strand). Cytogenetic location: 10q22.1.
Variant type: single nucleotide variant.
Coding change: c.113C>T on transcript NM_002778.4 (MANE Select); coding-DNA position 113, C replaced by T.
Protein change: p.Thr38Met; replaces threonine 38 with methionine.
Molecular consequence: missense variant.
Genome position (GRCh38, 1-based): chr10:71,834,433, G>A on the plus strand (C>T on the coding strand, the complement: PSAP is on the minus strand). VCF-style: chr10-71834433-G-A. GRCh37 (hg19) VCF-style: chr10-73594190-G-A.
Other names: c.113C>T, p.Thr38Met (NM_001042465.3, NM_001042466.3); short protein forms T38M.
Identifiers: ClinVar variation 1032846 (VCV001032846.5), dbSNP rs145181011, ClinGen allele CA5547901.